The following is an entry in ClinVar:

NM_001382.4(DPAGT1):c.691T>C (p.Phe231Leu)

Gene: DPAGT1 (dolichyl-phosphate N-acetylglucosaminephosphotransferase 1; minus strand). Cytogenetic location: 11q23.3.
Variant type: single nucleotide variant.
Coding change: c.691T>C on transcript NM_001382.4 (MANE Select); coding-DNA position 691, T replaced by C.
Protein change: p.Phe231Leu; replaces phenylalanine 231 with leucine.
Molecular consequence: missense variant.
Genome position (GRCh38, 1-based): chr11:119,098,440, A>G on the plus strand (T>C on the coding strand, the complement: DPAGT1 is on the minus strand). VCF-style: chr11-119098440-A-G. GRCh37 (hg19) VCF-style: chr11-118969150-A-G.
Other names: c.691T>C (NM_001382.3); short protein forms F231L.
Identifiers: ClinVar variation 2051713 (VCV002051713.5), dbSNP rs1324058918, ClinGen allele CA382911738.
Genomic context (GRCh38, chr11:119,098,440, plus strand): 5'-CCCTTATCCACAGGCCTACTTACCAGTTGTGGTAGAGCAATCCCAAAGTGGTGAAAAAAA[A>G]GGGTATCATGAAGTAGAGGGAAAAGACATGATCATCCCGACAATCACCTTTGGAAGCAAG-3'
Protein context (NP_001373.2, residues 221-241): HVFSLYFMIP[Phe231Leu]FFTTLGLLYH

ClinVar aggregate classification (germline): Uncertain significance. Review status: criteria provided, multiple submitters, no conflicts (2 of 4 stars). 2 submissions from 2 submitters: Uncertain significance (2). Last evaluated 2025-05-03.

Conditions:
Inborn genetic diseases. Identifiers: MedGen C0950123, MeSH D030342.
Congenital myasthenic syndrome 13 (CMS13). Also called: Myasthenic syndrome, congenital, 13, with tubular aggregates; Myasthenic syndrome, congenital, with tubular aggregates 2. Identifiers: Orphanet 353327, Orphanet 590, MedGen C3553645, MONDO:0013883, OMIM 614750.
DPAGT1-congenital disorder of glycosylation. Also called: DPAGT1-CDG; CONGENITAL DISORDER OF GLYCOSYLATION, TYPE Ij; CDG Ij. Identifiers: Orphanet 86309, MedGen C2931004, MONDO:0011964, OMIM 608093.

Allele frequency attached by ClinVar (database versions not stated): gnomAD 0.00001; TOPMed 0.00001.

Submissions (2):

Ambry Genetics
Classification: Uncertain significance for Inborn genetic diseases. Last evaluated: 2025-05-03. Review status: criteria provided, single submitter. Criteria: Ambry Variant Classification Scheme 2023. Collection method: clinical testing. Allele origin: germline.

Labcorp Genetics (formerly Invitae), Labcorp
Classification: Uncertain significance for Congenital myasthenic syndrome 13; DPAGT1-congenital disorder of glycosylation. Last evaluated: 2023-06-22. Review status: criteria provided, single submitter. Criteria: Invitae Variant Classification Sherloc (09022015). Collection method: clinical testing. Allele origin: germline.
Comment: This sequence change replaces phenylalanine, which is neutral and non-polar, with leucine, which is neutral and non-polar, at codon 231 of the DPAGT1 protein (p.Phe231Leu). This variant is not present in population databases (gnomAD no frequency). This variant has not been reported in the literature in individuals affected with DPAGT1-related conditions. ClinVar contains an entry for this variant (Variation ID: 2051713). Advanced modeling of protein sequence and biophysical properties (such as structural, functional, and spatial information, amino acid conservation, physicochemical variation, residue mobility, and thermodynamic stability) performed at Invitae indicates that this missense variant is not expected to disrupt DPAGT1 protein function. In summary, the available evidence is currently insufficient to determine the role of this variant in disease. Therefore, it has been classified as a Variant of Uncertain Significance.